The following is an entry in ClinVar:

ClinVar aggregate classification (germline): Uncertain significance (1 of 4 stars; one submission).

gnomAD v4.1: 4 of 1,612,636 alleles (0.00025%); highest among the groups gnomAD compares: Non-Finnish European, 0.00034%; no homozygotes.

Submission:

Labcorp Genetics (formerly Invitae), Labcorp
Classification: Uncertain significance. Last evaluated: 2024-06-13. Review status: criteria provided, single submitter. Criteria: Invitae Variant Classification Sherloc (09022015). Collection method: clinical testing. Allele origin: germline.
Comment: This sequence change falls in intron 8 of the CD151 gene. It does not directly change the encoded amino acid sequence of the CD151 protein. It affects a nucleotide within the consensus splice site. This variant is present in population databases (rs368998046, gnomAD 0.0009%). This variant has not been reported in the literature in individuals affected with CD151-related conditions. Variants that disrupt the consensus splice site are a relatively common cause of aberrant splicing (PMID: 17576681, 9536098). Algorithms developed to predict the effect of sequence changes on RNA splicing suggest that this variant is not likely to affect RNA splicing. In summary, the available evidence is currently insufficient to determine the role of this variant in disease. Therefore, it has been classified as a Variant of Uncertain Significance.

Literature cited by the submitters: PubMed 17576681; PubMed 9536098.

NM_004357.5(CD151):c.702+3G>C

Gene: CD151 (CD151 molecule (Raph blood group); plus strand). Cytogenetic location: 11p15.5.
Variant type: single nucleotide variant.
Coding change: c.702+3G>C on transcript NM_004357.5 (MANE Select); 3 bases into the intron after coding-DNA position 702, G replaced by C.
Molecular consequence: intron variant.
Genome position (GRCh38, 1-based): chr11:838,031, G>C. VCF-style: chr11-838031-G-C. GRCh37 (hg19) VCF-style: chr11-838031-G-C.
Other names: c.702+3G>C (NM_139030.4, NM_139029.2, NM_001039490.2).
Identifiers: ClinVar variation 3621156 (VCV003621156.2).
Genomic context (GRCh38, chr11:838,031, plus strand): 5'-CATCCAGGAGCACCTGAGGGTCATTGGGGCTGTGGGGATCGGCATTGCCTGTGTGCAGGT[G>C]AGGGCACATGGGGGTGGCGGTCATCTTGTTGGGGACACGGGGCAGGGCGGTGGCTGGTGG-3'